The following is an entry in ClinVar:

NM_000211.5(ITGB2):c.1602C>T (p.Cys534=)

Gene: ITGB2 (integrin subunit beta 2; minus strand). Cytogenetic location: 21q22.3.
Variant type: single nucleotide variant.
Coding change: c.1602C>T on transcript NM_000211.5 (MANE Select); coding-DNA position 1602, C replaced by T.
Protein change: p.Cys534=; no amino-acid change (cysteine 534 retained).
Molecular consequence: synonymous variant.
Genome position (GRCh38, 1-based): chr21:44,890,033, G>A on the plus strand (C>T on the coding strand, the complement: ITGB2 is on the minus strand). VCF-style: chr21-44890033-G-A. GRCh37 (hg19) VCF-style: chr21-46309948-G-A.
Other names: c.1602C>T, p.Cys534= (NM_001127491.3); c.1395C>T, p.Cys465= (NM_001303238.2).
Identifiers: ClinVar variation 897846 (VCV000897846.8), dbSNP rs748574145, ClinGen allele CA10062776.

ClinVar aggregate classification (germline): Uncertain significance. Review status: criteria provided, multiple submitters, no conflicts (2 of 4 stars). 2 submissions from 2 submitters: Uncertain significance (2). Last evaluated 2022-04-28.

Conditions:
Leukocyte adhesion deficiency 1 (LAD1). Also called: LAD 1; Lymphocyte function-associated antigen 1 immunodeficiency; LFA 1 immunodeficiency; LEUKOCYTE ADHESION DEFICIENCY, TYPE I. Identifiers: Orphanet 2968, Orphanet 99842, MedGen C0398738, MONDO:0007293, OMIM 116920.

Allele frequency attached by ClinVar (database versions not stated): ExAC 0.00002; TOPMed 0.00006.
gnomAD v4.1: 100 of 1,613,360 alleles (0.0062%); highest among the groups gnomAD compares: Non-Finnish European, 0.0071%; no homozygotes.

Submissions (2):

Labcorp Genetics (formerly Invitae), Labcorp
Classification: Uncertain significance for Leukocyte adhesion deficiency 1. Last evaluated: 2022-04-28. Review status: criteria provided, single submitter. Criteria: Invitae Variant Classification Sherloc (09022015). Collection method: clinical testing. Allele origin: germline.
Comment: This sequence change affects codon 534 of the ITGB2 mRNA. It is a 'silent' change, meaning that it does not change the encoded amino acid sequence of the ITGB2 protein. The frequency data for this variant in the population databases is considered unreliable, as metrics indicate poor data quality at this position in the gnomAD database. This variant has not been reported in the literature in individuals affected with ITGB2-related conditions. ClinVar contains an entry for this variant (Variation ID: 897846). Algorithms developed to predict the effect of sequence changes on RNA splicing suggest that this variant may disrupt the consensus splice site. In summary, the available evidence is currently insufficient to determine the role of this variant in disease. Therefore, it has been classified as a Variant of Uncertain Significance.

Illumina Laboratory Services, Illumina
Classification: Uncertain significance for Leukocyte adhesion deficiency 1. Last evaluated: 2017-04-28. Review status: criteria provided, single submitter. Criteria: ICSL Variant Classification Criteria 13 December 2019. Collection method: clinical testing. Allele origin: germline.